The following is an entry in ClinVar:

ClinVar aggregate classification (germline): Uncertain significance (1 of 4 stars; one submission).

Submission:

Women's Health and Genetics/Laboratory Corporation of America, LabCorp
Classification: Uncertain significance. Last evaluated: 2024-07-30. Review status: criteria provided, single submitter. Criteria: LabCorp Variant Classification Summary - May 2015. Collection method: clinical testing. Allele origin: germline.
Comment: Variant summary: ABCC8 c.704C>T (p.Ala235Val) results in a non-conservative amino acid change in the encoded protein sequence. Four of five in-silico tools predict a benign effect of the variant on protein function. The variant was absent in 251488 control chromosomes. The available data on variant occurrences in the general population are insufficient to allow any conclusion about variant significance. c.704C>T has been reported in the literature as a heterozygous genotype in at-least one individual affected with Neonatal Diabetes Mellitus (NDM) (example, Dr Dranco_2020). These report(s) do not provide unequivocal conclusions about association of the variant with Familial Hyperinsulinism. To our knowledge, no experimental evidence demonstrating an impact on protein function has been reported. The following publication has been ascertained in the context of this evaluation (PMID: 32027066). No submitters have cited clinical-significance assessments for this variant to ClinVar. Based on the evidence outlined above, the variant was classified as uncertain significance.

Literature cited by the submitters: PubMed 32027066.

NM_000352.6(ABCC8):c.704C>T (p.Ala235Val)

Gene: ABCC8 (ATP binding cassette subfamily C member 8; minus strand). Cytogenetic location: 11p15.1.
Variant type: single nucleotide variant.
Coding change: c.704C>T on transcript NM_000352.6 (MANE Select); coding-DNA position 704, C replaced by T.
Protein change: p.Ala235Val; replaces alanine 235 with valine.
Molecular consequence: missense variant. On other transcripts: non-coding transcript variant (1).
Genome position (GRCh38, 1-based): chr11:17,461,701, G>A on the plus strand (C>T on the coding strand, the complement: ABCC8 is on the minus strand). VCF-style: chr11-17461701-G-A. GRCh37 (hg19) VCF-style: chr11-17483248-G-A.
Other names: c.704C>T, p.Ala235Val (NM_001287174.3, NM_001351295.2, NM_001351296.2 and 1 more transcripts); short protein forms A235V.
Identifiers: ClinVar variation 3339186 (VCV003339186.1).
Genomic context (GRCh38, chr11:17,461,701, plus strand): 5'-ATGGGCAGCTTCCCGATGGCTCGCAAGTCGATGGGCTTCTTGTGGGCAGTCTTGATGAAG[G>A]CGTTCATCCACCAGTAGGTGCCTTTGGACAGCAGATTCACGAAGGGCTGCAGGAAGCGTA-3'
Protein context (NP_000343.2, residues 225-245): LSKGTYWWMN[Ala235Val]FIKTAHKKPI